The following is an entry in ClinVar:

NM_006904.7(PRKDC):c.3622C>A (p.Leu1208Met)

Gene: PRKDC (protein kinase, DNA-activated, catalytic subunit; minus strand). Cytogenetic location: 8q11.21.
Variant type: single nucleotide variant.
Coding change: c.3622C>A on transcript NM_006904.7 (MANE Select); coding-DNA position 3622, C replaced by A.
Protein change: p.Leu1208Met; replaces leucine 1208 with methionine.
Molecular consequence: missense variant.
Genome position (GRCh38, 1-based): chr8:47,893,364, G>T on the plus strand (C>A on the coding strand, the complement: PRKDC is on the minus strand). VCF-style: chr8-47893364-G-T. GRCh37 (hg19) VCF-style: chr8-48805924-G-T.
Other names: c.3622C>A, p.Leu1208Met (NM_001081640.2); short protein forms L1208M.
Identifiers: ClinVar variation 3310168 (VCV003310168.1).
Genomic context (GRCh38, chr8:47,893,364, plus strand): 5'-CACCCCCCTCAAAGGTGTTGATGAGAAAAGAGACACCTTCTTCCTTGAGAACATCTTTCA[G>T]CCACAAATTAGGGGATCTGTTGCCTTTAAAAAGAAACAAAATTAAAATGCACACATATAC-3'
Protein context (NP_008835.5, residues 1198-1218): LPGNRSPNLW[Leu1208Met]KDVLKEEGVS

ClinVar aggregate classification (germline): Uncertain significance (1 of 4 stars; one submission).

Submission:

Ambry Genetics
Classification: Uncertain significance. Last evaluated: 2024-05-30. Review status: criteria provided, single submitter. Criteria: Ambry Variant Classification Scheme 2023. Collection method: clinical testing. Allele origin: germline.
Comment: The p.L1208M variant (also known as c.3622C>A), located in coding exon 31 of the PRKDC gene, results from a C to A substitution at nucleotide position 3622. The leucine at codon 1208 is replaced by methionine, an amino acid with highly similar properties. This amino acid position is conserved. In addition, this alteration is predicted to be tolerated by in silico analysis. Based on the available evidence, the clinical significance of this variant remains unclear.